The following is an entry in ClinVar:

ClinVar aggregate classification (germline): Pathogenic (1 of 4 stars; one submission).

Conditions:
Pallister-Hall syndrome (PHS). Also called: GLI3-Related Pallister-Hall Syndrome; HYPOTHALAMIC HAMARTOBLASTOMA, HYPOPITUITARISM, IMPERFORATE ANUS, AND POSTAXIAL POLYDACTYLY. Identifiers: Orphanet 672, MedGen C0265220, MONDO:0007804, OMIM 146510.
Greig cephalopolysyndactyly syndrome (GCPS). Also called: POLYSYNDACTYLY WITH PECULIAR SKULL SHAPE; GLI3-Related Greig Cephalopolysyndactyly Syndrome; Greig syndrome. Identifiers: Orphanet 380, MedGen C0265306, MONDO:0008287, OMIM 175700.

Submission:

Labcorp Genetics (formerly Invitae), Labcorp
Classification: Pathogenic for Pallister-Hall syndrome; Greig cephalopolysyndactyly syndrome. Last evaluated: 2019-01-11. Review status: criteria provided, single submitter. Criteria: Invitae Variant Classification Sherloc (09022015). Collection method: clinical testing. Allele origin: germline.
Comment: For these reasons, this variant has been classified as Pathogenic. This variant disrupts the C-terminus of the GLI3 protein. Other variant(s) that disrupt this region (p.Thr1488Lysfs*23) have been determined to be pathogenic (PMID: 24736735). This suggests that variants that disrupt this region of the protein are likely to be causative of disease. Experimental studies and prediction algorithms are not available for this variant, and the functional significance of the affected amino acid(s) is currently unknown. This variant has not been reported in the literature in individuals with GLI3-related conditions. This variant is not present in population databases (ExAC no frequency). This sequence change results in a premature translational stop signal in the GLI3 gene (p.Val1263Alafs*42). While this is not anticipated to result in nonsense mediated decay, it is expected to disrupt the last 318 amino acids of the GLI3 protein.

Literature cited by the submitters: PubMed 24736735.

NM_000168.6(GLI3):c.3784_3787dup (p.Val1263fs)

Gene: GLI3 (GLI family zinc finger 3; minus strand). Cytogenetic location: 7p14.1.
Variant type: Duplication.
Coding change: c.3784_3787dup on transcript NM_000168.6 (MANE Select); coding-DNA positions 3784 to 3787, 4 bases duplicated (CCAG; older notation c.3784_3787dupCCAG).
Protein change: p.Val1263fs; shifts the reading frame from valine 1263.
Molecular consequence: frameshift variant.
Genome position (GRCh38, 1-based): chr7:41,965,286-41,965,289, CTGG duplicated on the plus strand (CCAG on the coding strand, the reverse complement: GLI3 is on the minus strand); duplicating any 4 consecutive bases within chr7:41,965,286-41,965,292 gives the same sequence; the c. name uses the placement nearest the transcript's 3' end. VCF-style (leftmost placement, unchanged base first): chr7-41965285-A-ACTGG. GRCh37 (hg19) VCF-style: chr7-42004883-A-ACTGG.
Other names: short protein forms V1263fs.
Identifiers: ClinVar variation 844774 (VCV000844774.9), dbSNP rs1787131313, ClinGen allele CA916082923.